The following is an entry in ClinVar:

ClinVar aggregate classification (germline): Likely benign (1 of 4 stars; one submission).

Allele frequency attached by ClinVar (database versions not stated): gnomAD exomes 0.00002; ExAC 0.00007; ESP Exome Variant Server 0.00008; gnomAD 0.00012; 1000 Genomes Project 30x 0.00016; 1000 Genomes Project 0.00020; TOPMed 0.00020.
gnomAD v4.1: 59 of 1,614,056 alleles (0.0037%); highest among the groups gnomAD compares: African/African-American, 0.036%; no homozygotes.

Submission:

CeGaT Center for Human Genetics Tuebingen
Classification: Likely benign. Last evaluated: 2024-02-01. Review status: criteria provided, single submitter. Criteria: CeGaT Center For Human Genetics Tuebingen Variant Classification Criteria Version 2. Collection method: clinical testing. Allele origin: germline. Affected: yes. Observed: 1 variant allele.
Comment: BMS1: BP4, BP7

NM_014753.4(BMS1):c.1374C>T (p.Asn458=)

Gene: BMS1 (BMS1 ribosome biogenesis factor; plus strand). Cytogenetic location: 10q11.21.
Variant type: single nucleotide variant.
Coding change: c.1374C>T on transcript NM_014753.4 (MANE Select); coding-DNA position 1374, C replaced by T.
Protein change: p.Asn458=; no amino-acid change (asparagine 458 retained).
Molecular consequence: synonymous variant.
Genome position (GRCh38, 1-based): chr10:42,796,618, C>T. VCF-style: chr10-42796618-C-T. GRCh37 (hg19) VCF-style: chr10-43292066-C-T.
Identifiers: ClinVar variation 3025806 (VCV003025806.22), dbSNP rs372823965, ClinGen allele CA5475750.